The following is an entry in ClinVar:

NC_000020.10:g.(?_62290746)_(62290867_?)del

Gene: RTEL1 (regulator of telomere elongation helicase 1; plus strand). Cytogenetic location: 20q13.33.
Variant type: Deletion.
Identifiers: ClinVar variation 1071517 (VCV001071517.9).

ClinVar aggregate classification (germline): Pathogenic (1 of 4 stars; one submission).

Conditions:
Dyskeratosis congenita, autosomal recessive 5 (DKCB5). Identifiers: MedGen C3554656, MONDO:0014076, OMIM 615190.
Pulmonary fibrosis and/or bone marrow failure, Telomere-related, 3. Also called: PULMONARY FIBROSIS AND/OR BONE MARROW FAILURE SYNDROME, TELOMERE-RELATED, 3. Identifiers: Orphanet 2032, MedGen C4225346, MONDO:0014613, OMIM 616373.

Submission:

Labcorp Genetics (formerly Invitae), Labcorp
Classification: Pathogenic for Dyskeratosis congenita, autosomal recessive 5; Pulmonary fibrosis and/or bone marrow failure, Telomere-related, 3. Last evaluated: 2020-06-01. Review status: criteria provided, single submitter. Criteria: Invitae Variant Classification Sherloc (09022015). Collection method: clinical testing. Allele origin: germline.
Comment: For these reasons, this variant has been classified as Pathogenic. Loss-of-function variants in RTEL1 are known to be pathogenic (PMID: 23453664, 23959892, 25607374). This variant has not been reported in the literature in individuals with RTEL1-related conditions. This variant is a gross deletion of the genomic region encompassing exon(s) 2 of the RTEL1 gene, which includes the initiator codon. The 5' end of this event is unknown as it extends beyond the assayed region for this gene and therefore may encompass additional genes. The 3' boundary is likely confined to intron 2 of the RTEL1 gene. This is expected to result in an absent or disrupted protein product.

Literature cited by the submitters: PubMed 23453664; PubMed 23959892; PubMed 25607374.